The following is an entry in ClinVar:

ClinVar aggregate classification (germline): Likely benign. Review status: criteria provided, single submitter (1 of 4 stars). 2 submissions from 2 submitters: Likely benign (1). 1 of the submissions does not count toward it. Last evaluated 2025-05-30.

Conditions:
RPL27-related disorder. Also called: RPL27-related condition.

Allele frequency attached by ClinVar (database versions not stated): ESP Exome Variant Server 0.00077; gnomAD exomes 0.00004; gnomAD 0.00040; 1000 Genomes Project 0.00060; ExAC 0.00020; TOPMed 0.00049; 1000 Genomes Project 30x 0.00078.
gnomAD v4.1: 121 of 1,613,444 alleles (0.0075%); highest among the groups gnomAD compares: African/African-American, 0.14%; 1 homozygote.

Submissions (2):

Labcorp Genetics (formerly Invitae), Labcorp
Classification: Likely benign. Last evaluated: 2025-05-30. Review status: criteria provided, single submitter. Criteria: Invitae Variant Classification Sherloc (09022015). Collection method: clinical testing. Allele origin: germline.

PreventionGenetics, part of Exact Sciences
Classification: Likely benign for RPL27-related condition. Last evaluated: 2022-06-09. Review status: no assertion criteria provided. Collection method: clinical testing. Allele origin: germline. Not counted in ClinVar's aggregate classification.
Comment: This variant is classified as likely benign based on ACMG/AMP sequence variant interpretation guidelines (Richards et al. 2015 PMID: 25741868, with internal and published modifications).

NM_000988.5(RPL27):c.363-8C>T

Gene: RPL27 (ribosomal protein L27; plus strand). Cytogenetic location: 17q21.31.
Variant type: single nucleotide variant.
Coding change: c.363-8C>T on transcript NM_000988.5 (MANE Select); 8 bases into the intron before coding-DNA position 363, C replaced by T.
Molecular consequence: intron variant.
Genome position (GRCh38, 1-based): chr17:43,002,864, C>T. VCF-style: chr17-43002864-C-T. GRCh37 (hg19) VCF-style: chr17-41154881-C-T.
Other names: c.363-8C>T (NM_000988.3, NM_001349921.2, NM_001349922.2).
Identifiers: ClinVar variation 2755652 (VCV002755652.5), dbSNP rs114695605, ClinGen allele CA8589022.